The following is an entry in ClinVar:

NM_000053.4(ATP7B):c.995_998dup (p.Ser334fs)

Gene: ATP7B (ATPase copper transporting beta; minus strand). Cytogenetic location: 13q14.3.
Variant type: Duplication.
Coding change: c.995_998dup on transcript NM_000053.4 (MANE Select); coding-DNA positions 995 to 998, 4 bases duplicated (AAGG; older notation c.995_998dupAAGG).
Protein change: p.Ser334fs; shifts the reading frame from serine 334.
Molecular consequence: frameshift variant. On other transcripts: intron variant (1).
Genome position (GRCh38, 1-based): chr13:51,974,222-51,974,225, CCTT duplicated on the plus strand (AAGG on the coding strand, the reverse complement: ATP7B is on the minus strand); duplicating any 4 consecutive bases within chr13:51,974,222-51,974,226 gives the same sequence; the c. name uses the placement nearest the transcript's 3' end. VCF-style (leftmost placement, unchanged base first): chr13-51974221-C-CCCTT. GRCh37 (hg19) VCF-style: chr13-52548357-C-CCCTT.
Other names: c.995_998dup, p.Ser334fs (NM_001005918.3, NM_001330578.2, NM_001330579.2); c.803-141_803-138dup (NM_001243182.2); short protein forms S334fs.
Identifiers: ClinVar variation 1454024 (VCV001454024.6), dbSNP rs1951990899, ClinGen allele CA956032412.

ClinVar aggregate classification (germline): Pathogenic (1 of 4 stars; one submission).

Conditions:
Wilson disease (WND). Also called: Wilson's disease. Identifiers: Orphanet 905, MedGen C0019202, MONDO:0010200, OMIM 277900. Disease mechanism: loss of function.

Submission:

Labcorp Genetics (formerly Invitae), Labcorp
Classification: Pathogenic for Wilson disease. Last evaluated: 2021-01-22. Review status: criteria provided, single submitter. Criteria: Invitae Variant Classification Sherloc (09022015). Collection method: clinical testing. Allele origin: germline.
Comment: For these reasons, this variant has been classified as Pathogenic. This variant has not been reported in the literature in individuals with ATP7B-related conditions. This variant is not present in population databases (ExAC no frequency). This sequence change creates a premature translational stop signal (p.Ser334Argfs*46) in the ATP7B gene. It is expected to result in an absent or disrupted protein product. Loss-of-function variants in ATP7B are known to be pathogenic (PMID: 10441329, 16283883).

Literature cited by the submitters: PubMed 10441329; PubMed 16283883.